The following is an entry in ClinVar:

ClinVar aggregate classification (germline): Uncertain significance. Review status: criteria provided, multiple submitters, no conflicts (2 of 4 stars). 5 submissions from 5 submitters: Uncertain significance (5). Last evaluated 2025-12-08.

Conditions:
Hereditary cancer-predisposing syndrome. Also called: Hereditary neoplastic syndrome; Neoplastic Syndromes, Hereditary; Tumor predisposition; Hereditary Cancer Syndrome. Identifiers: Orphanet 140162, MedGen C0027672, MeSH D009386, MONDO:0015356.
Neuroblastoma, susceptibility to, 3. Also called: ALK-Related Neuroblastic Tumor Susceptibility. Identifiers: Orphanet 635, MedGen C2751681, MONDO:0013083, OMIM 613014.

Allele frequency attached by ClinVar (database versions not stated): gnomAD exomes 0.00001; ExAC 0.00002; TOPMed 0.00003; gnomAD 0.00005.

Submissions (5):

Labcorp Genetics (formerly Invitae), Labcorp
Classification: Uncertain significance for Neuroblastoma, susceptibility to, 3. Last evaluated: 2025-12-08. Review status: criteria provided, single submitter. Criteria: Invitae Variant Classification Sherloc (09022015). Collection method: clinical testing. Allele origin: germline.
Comment: This sequence change replaces valine, which is neutral and non-polar, with isoleucine, which is neutral and non-polar, at codon 827 of the ALK protein (p.Val827Ile). This variant is present in population databases (rs756963896, gnomAD 0.0009%). This variant has not been reported in the literature in individuals affected with ALK-related conditions. ClinVar contains an entry for this variant (Variation ID: 470795). An algorithm developed to predict the effect of missense changes on protein structure and function outputs the following: PolyPhen-2: "Benign". The isoleucine amino acid residue is found in multiple mammalian species, which suggests that this missense change does not adversely affect protein function. In summary, the available evidence is currently insufficient to determine the role of this variant in disease. Therefore, it has been classified as a Variant of Uncertain Significance.

Ambry Genetics
Classification: Uncertain significance for Hereditary cancer-predisposing syndrome. Last evaluated: 2025-03-15. Review status: criteria provided, single submitter. Criteria: Ambry Variant Classification Scheme 2023. Collection method: clinical testing. Allele origin: germline.

GeneDx
Classification: Uncertain significance. Last evaluated: 2024-08-27. Review status: criteria provided, single submitter. Criteria: GeneDx Variant Classification Process June 2021. Collection method: clinical testing. Allele origin: germline. Affected: yes.
Comment: Not observed at significant frequency in large population cohorts (gnomAD); In silico analysis indicates that this missense variant does not alter protein structure/function; Has not been previously published as pathogenic or benign to our knowledge

Baylor Genetics
Classification: Uncertain significance for Neuroblastoma, susceptibility to, 3. Last evaluated: 2023-10-26. Review status: criteria provided, single submitter. Criteria: ACMG Guidelines, 2015. Collection method: clinical testing. Allele origin: unknown.

Illumina Laboratory Services, Illumina
Classification: Uncertain significance for Neuroblastoma, susceptibility to, 3. Last evaluated: 2018-01-13. Review status: criteria provided, single submitter. Criteria: ICSL Variant Classification Criteria 13 December 2019. Collection method: clinical testing. Allele origin: germline.

NM_004304.5(ALK):c.2479G>A (p.Val827Ile)

Gene: ALK (ALK receptor tyrosine kinase; minus strand). Cytogenetic location: 2p23.2.
Variant type: single nucleotide variant.
Coding change: c.2479G>A on transcript NM_004304.5 (MANE Select); coding-DNA position 2479, G replaced by A.
Protein change: p.Val827Ile; replaces valine 827 with isoleucine.
Molecular consequence: missense variant.
Genome position (GRCh38, 1-based): chr2:29,233,573, C>T on the plus strand (G>A on the coding strand, the complement: ALK is on the minus strand). VCF-style: chr2-29233573-C-T. GRCh37 (hg19) VCF-style: chr2-29456439-C-T.
Other names: short protein forms V827I.
Identifiers: ClinVar variation 470795 (VCV000470795.19), dbSNP rs756963896, ClinGen allele CA1594302.